The following is an entry in ClinVar:

ClinVar aggregate classification (germline): Uncertain significance (1 of 4 stars; one submission).

Allele frequency attached by ClinVar (database versions not stated): gnomAD exomes below 0.00001.
gnomAD v4.1: 1 of 1,211,323 alleles (0.000083%); highest among the groups gnomAD compares: South Asian, 0.0018%; no homozygotes.

Submission:

GeneDx
Classification: Uncertain significance. Last evaluated: 2022-09-29. Review status: criteria provided, single submitter. Criteria: GeneDx Variant Classification Process June 2021. Collection method: clinical testing. Allele origin: germline. Affected: yes.
Comment: Not observed at significant frequency in large population cohorts (gnomAD); In silico analysis supports that this missense variant does not alter protein structure/function; Has not been previously published as pathogenic or benign to our knowledge

NM_153252.5(BRWD3):c.2632A>G (p.Thr878Ala)

Gene: BRWD3 (bromodomain and WD repeat domain containing 3; minus strand). Cytogenetic location: Xq21.1.
Variant type: single nucleotide variant.
Coding change: c.2632A>G on transcript NM_153252.5 (MANE Select); coding-DNA position 2632, A replaced by G.
Protein change: p.Thr878Ala; replaces threonine 878 with alanine.
Molecular consequence: missense variant.
Genome position (GRCh38, 1-based): chrX:80,704,767, T>C on the plus strand (A>G on the coding strand, the complement: BRWD3 is on the minus strand). VCF-style: chrX-80704767-T-C. GRCh37 (hg19) VCF-style: chrX-79960266-T-C.
Other names: short protein forms T878A.
Identifiers: ClinVar variation 1707923 (VCV001707923.2), dbSNP rs2520270456, ClinGen allele CA413626932.
Genomic context (GRCh38, chrX:80,704,767, plus strand): 5'-GCCTTTCTTCTAGGGACTTCAAATTTTCCTCATCAGAGCTGCTGCATATTTTACGTGTTG[T>C]CTGTCTGGTTTGTCTTTTTGGGGGTTGTAAATTTATTCCAGCATCTGCTGTCCAATCAGA-3'
Protein context (NP_694984.5, residues 868-888): LQPPKRQTRQ[Thr878Ala]TRKICSSSDE